The following is an entry in ClinVar:

ClinVar aggregate classification (germline): Uncertain significance. Review status: criteria provided, multiple submitters, no conflicts (2 of 4 stars). 2 submissions from 2 submitters: Uncertain significance (2). Last evaluated 2025-08-06.

Conditions:
Inborn genetic diseases. Identifiers: MedGen C0950123, MeSH D030342.

Allele frequency attached by ClinVar (database versions not stated): gnomAD exomes 0.00001; ExAC 0.00002; gnomAD 0.00005; TOPMed 0.00005.
gnomAD v4.1: 15 of 1,614,102 alleles (0.00093%); highest among the groups gnomAD compares: Admixed American, 0.018%; 1 homozygote.

Submissions (2):

Labcorp Genetics (formerly Invitae), Labcorp
Classification: Uncertain significance. Last evaluated: 2025-08-06. Review status: criteria provided, single submitter. Criteria: Invitae Variant Classification Sherloc (09022015). Collection method: clinical testing. Allele origin: germline.
Comment: This sequence change replaces valine, which is neutral and non-polar, with isoleucine, which is neutral and non-polar, at codon 701 of the ALPK1 protein (p.Val701Ile). This variant is present in population databases (rs749129372, gnomAD 0.006%), including at least one homozygous and/or hemizygous individual. This variant has not been reported in the literature in individuals affected with ALPK1-related conditions. ClinVar contains an entry for this variant (Variation ID: 2177286). Invitae Evidence Modeling of protein sequence and biophysical properties (such as structural, functional, and spatial information, amino acid conservation, physicochemical variation, residue mobility, and thermodynamic stability) indicates that this missense variant is not expected to disrupt ALPK1 protein function with a negative predictive value of 80%. In summary, the available evidence is currently insufficient to determine the role of this variant in disease. Therefore, it has been classified as a Variant of Uncertain Significance.

Ambry Genetics
Classification: Uncertain significance for Inborn genetic diseases. Last evaluated: 2024-12-02. Review status: criteria provided, single submitter. Criteria: Ambry Variant Classification Scheme 2023. Collection method: clinical testing. Allele origin: germline.

NM_025144.4(ALPK1):c.2101G>A (p.Val701Ile)

Gene: ALPK1 (alpha kinase 1; plus strand). Cytogenetic location: 4q25.
Variant type: single nucleotide variant.
Coding change: c.2101G>A on transcript NM_025144.4 (MANE Select); coding-DNA position 2101, G replaced by A.
Protein change: p.Val701Ile; replaces valine 701 with isoleucine.
Molecular consequence: missense variant.
Genome position (GRCh38, 1-based): chr4:112,431,648, G>A. VCF-style: chr4-112431648-G-A. GRCh37 (hg19) VCF-style: chr4-113352804-G-A.
Other names: c.2101G>A, p.Val701Ile (NM_001102406.2); c.1867G>A, p.Val623Ile (NM_001253884.2); c.2101G>A (NM_025144.3); short protein forms V623I, V701I.
Identifiers: ClinVar variation 2177286 (VCV002177286.6), dbSNP rs749129372, ClinGen allele CA3046861.